The following continues an entry in ClinVar:

NM_000518.5(HBB):c.126_129del (p.Phe42fs)

ClinVar aggregate classification (germline): Pathogenic/Likely pathogenic. Pathogenic (27); Likely pathogenic (1).

Submissions 29 to 32 of 32:

MOLECULAR BIOLOGY AND HUMAN GENETICS DIVISION, THE UNIVERSITY OF BURDWAN
Classification: Pathogenic for Beta-thalassemia HBB/LCRB. Last evaluated: 2024-05-07. Review status: no assertion criteria provided. Collection method: clinical testing. Allele origin: germline. Affected: yes. Observed: 27 variant alleles. Not counted in ClinVar's aggregate classification.
Comment: The HBB c.126_129delCTTT (NP_000509.1:p.Phe42fs ) is a frameshift variant leads to a premature termination of HBB mRNA. The variant also describe as beta0 mutation, When this variant present in homozygous or in compound heterozygous with other pathogenic HBB mutation leads to severe anemia, The condition known as beta thalassemia major. The frequency of this variant among thalassemia patient in Eastern India is 2.68 % as per our multicentric project - A Genetic Diagnostic Algorithm Based Study for Thalassemia in Northern and Eastern Indian Populations", Funded by Dept. of Biotechnology , Govt of India [Project No. BT/PR26461/MED/12/821/2018]

The ITHANET community portal, The Cyprus Institute of Neurology and Genetics
Classification: Pathogenic for beta Thalassemia. Last evaluated: 2019-11-25. Review status: no assertion criteria provided. Collection method: curation. Allele origin: germline. Not counted in ClinVar's aggregate classification.

OMIM
Classification: Pathogenic for BETA-ZERO-THALASSEMIA. Last evaluated: 2002-09-28. Review status: no assertion criteria provided. Collection method: literature only. Allele origin: germline. Not counted in ClinVar's aggregate classification.

GeneReviews
No classification provided. Condition: beta Thalassemia. Review status: no classification provided. Collection method: literature only. Allele origin: germline. Not counted in ClinVar's aggregate classification.

Literature cited by the submitters: PubMed 40485898 (cited by Department of Otolaryngology Head and Neck Surgery, Hainan Hospital of the Chinese People’s Liberation Army General Hospital); PubMed 33198537 (cited by Department of Otolaryngology Head and Neck Surgery, Hainan Hospital of the Chinese People’s Liberation Army General Hospital); PubMed 18414926 (cited by Department of Otolaryngology Head and Neck Surgery, Hainan Hospital of the Chinese People’s Liberation Army General Hospital); PubMed 23637309 (cited by Labcorp Genetics (formerly Invitae), Labcorp and MOLECULAR BIOLOGY AND HUMAN GENETICS DIVISION, THE UNIVERSITY OF BURDWAN); PubMed 6826539 (cited by 9 submitters); PubMed 25089872 (cited by Labcorp Genetics (formerly Invitae), Labcorp and Women's Health and Genetics/Laboratory Corporation of America, LabCorp); PubMed 28635337 (cited by Labcorp Genetics (formerly Invitae), Labcorp); PubMed 28671035 (cited by Natera, Inc.); PubMed 25000193 (cited by Myriad Genetics, Inc. and Illumina Laboratory Services, Illumina); PubMed 6714226 (cited by 4 submitters); PubMed 25480500 (cited by Myriad Genetics, Inc.); PubMed 24200214 (cited by Illumina Laboratory Services, Illumina and Quest Diagnostics Nichols Institute San Juan Capistrano); PubMed 26290351 (cited by Illumina Laboratory Services, Illumina); PubMed 25135424 (cited by Illumina Laboratory Services, Illumina); PubMed 25849334 (cited by Illumina Laboratory Services, Illumina); PubMed 22188014 (cited by Illumina Laboratory Services, Illumina); PubMed 20301599 (cited by Illumina Laboratory Services, Illumina); PubMed 26291967 (cited by Illumina Laboratory Services, Illumina); PubMed 8435318 (cited by Women's Health and Genetics/Laboratory Corporation of America, LabCorp); PubMed 15181845 (cited by Women's Health and Genetics/Laboratory Corporation of America, LabCorp); PubMed 9113933 (cited by Women's Health and Genetics/Laboratory Corporation of America, LabCorp and OMIM); PubMed 20181291 (cited by Lifecell International Pvt. Ltd); PubMed 29484903 (cited by The ITHANET community portal, The Cyprus Institute of Neurology and Genetics); Kazazian, H. H., Jr. Personal Communication. 1982. Baltimore, Md. (cited by OMIM); PubMed 12383672 (cited by OMIM); PubMed 12000828 (cited by OMIM); PubMed 9845707 (cited by OMIM); NCBI Bookshelf NBK1426 (cited by GeneReviews).